The following is an entry in ClinVar:

NM_001113378.2(FANCI):c.3220_3222del (p.Ile1074del)

Gene: FANCI (FA complementation group I; plus strand). Cytogenetic location: 15q26.1.
Variant type: Deletion.
Coding change: c.3220_3222del on transcript NM_001113378.2 (MANE Select); coding-DNA positions 3220 to 3222, 3 bases deleted (ATA; older notation c.3220_3222delATA).
Protein change: p.Ile1074del; deletes isoleucine 1074.
Molecular consequence: inframe deletion.
Genome position (GRCh38, 1-based): chr15:89,305,374-89,305,376, ATA deleted; deleting any 3 consecutive bases within chr15:89,305,373-89,305,376 gives the same sequence; the c. name uses the placement nearest the transcript's 3' end. VCF-style (leftmost placement, unchanged base first): chr15-89305372-CAAT-C. GRCh37 (hg19) VCF-style: chr15-89848603-CAAT-C.
Other names: c.2941_2943del, p.Ile981del (NM_001376910.1); c.3220_3222del, p.Ile1074del (NM_001376911.1); c.3040_3042del, p.Ile1014del (NM_018193.3); short protein forms I1014del, I1074del, I981del.
Identifiers: ClinVar variation 2140405 (VCV002140405.1), dbSNP rs2054677986, ClinGen allele CA2194552173.
Genomic context (GRCh38, chr15:89,305,372, plus strand): 5'-TTAGGTCTCACCTCTCTTCTTTTCCCCAGGATGTAGAGGTGGAGAAAACAAACCACTTTG[CAAT>C]AGTGAATTTGAGAACGGCTGCCCCCACTGTCTGTGTAAGTGTTGTACCTGAGCCATGGGG-3'

ClinVar aggregate classification (germline): Uncertain significance (1 of 4 stars; one submission).

Conditions:
Fanconi anemia (FA). Also called: Fanconi's anemia. Identifiers: Orphanet 84, MedGen C0015625, MeSH D005199, MONDO:0019391.

Submission:

Labcorp Genetics (formerly Invitae), Labcorp
Classification: Uncertain significance for Fanconi anemia. Last evaluated: 2022-09-12. Review status: criteria provided, single submitter. Criteria: Invitae Variant Classification Sherloc (09022015). Collection method: clinical testing. Allele origin: germline.
Comment: This variant, c.3220_3222del, results in the deletion of 1 amino acid(s) of the FANCI protein (p.Ile1074del), but otherwise preserves the integrity of the reading frame. This variant is not present in population databases (gnomAD no frequency). This variant has not been reported in the literature in individuals affected with FANCI-related conditions. Experimental studies and prediction algorithms are not available or were not evaluated, and the functional significance of this variant is currently unknown. In summary, the available evidence is currently insufficient to determine the role of this variant in disease. Therefore, it has been classified as a Variant of Uncertain Significance.